The following is an entry in ClinVar:

ClinVar aggregate classification (germline): Uncertain significance (1 of 4 stars; one submission).

Conditions:
Hemochromatosis type 2A (HFE2A). Also called: Adult-Onset Hemochromatosis; HJV (HFE2)-Related Juvenile Hemochromatosis. Identifiers: Orphanet 79230, MedGen C1865614, MONDO:0011216, OMIM 602390.

Submission:

Juno Genomics, Hangzhou Juno Genomics, Inc
Classification: Uncertain significance for Hemochromatosis type 2A. Review status: criteria provided, single submitter. Criteria: ACMG Guidelines, 2015. Collection method: clinical testing. Allele origin: germline.
Comment: Absent from controls (or at extremely low frequency if recessive) in Genome Aggregation Database.

NM_213653.4(HJV):c.18G>C (p.Gln6His)

Gene: HJV (hemojuvelin BMP co-receptor; minus strand). Cytogenetic location: 1q21.1.
Variant type: single nucleotide variant.
Coding change: c.18G>C on transcript NM_213653.4 (MANE Select); coding-DNA position 18, G replaced by C.
Protein change: p.Gln6His; replaces glutamine 6 with histidine.
Molecular consequence: missense variant. On other transcripts: 5 prime UTR variant (1), intron variant (3).
Genome position (GRCh38, 1-based): chr1:146,020,214, C>G on the plus strand (G>C on the coding strand, the complement: HJV is on the minus strand). VCF-style: chr1-146020214-C-G. GRCh37 (hg19) VCF-style: chr1-145414799-G-C.
Other names: c.-138G>C (NM_001316767.2); c.18G>C, p.Gln6His (NM_001379352.1); c.-22+1373G>C (NM_213652.4); c.-58-480G>C (NM_202004.4); c.-242-480G>C (NM_145277.5); short protein forms Q6H.
Identifiers: ClinVar variation 5007702 (VCV005007702.2).
Genomic context (GRCh38, chr1:146,020,214, plus strand): 5'-CAGGAGAGTGAGAGTGCTTAGAGTTGGGGGACTGCCATGGGAGGACCTGGGACTAGGGGA[C>G]TGGCCTGGCTCCCCCATACCTATCCAGCCAGGTTTCCCAGGCGCCGGTTCTTCCCAGCTG-3'
Protein context (NP_998818.1, residues 1-16): MGEPG[Gln6His]SPSPRSSHGS